The following is an entry in ClinVar:

ClinVar aggregate classification (germline): Likely pathogenic (1 of 4 stars; one submission).

Conditions:
AHDC1-related intellectual disability - obstructive sleep apnea - mild dysmorphism syndrome. Also called: Xia-Gibbs syndrome. Identifiers: Orphanet 412069, MedGen C4014419, MONDO:0014358, OMIM 615829.

Submission:

Neuberg Centre For Genomic Medicine, NCGM
Classification: Likely pathogenic for AHDC1-related intellectual disability - obstructive sleep apnea - mild dysmorphism syndrome. Review status: criteria provided, single submitter. Criteria: ACMG Guidelines, 2015. Collection method: clinical testing. Allele origin: germline. Inheritance: Autosomal dominant inheritance. Affected: yes.
Comment: The frameshift variant c.2572_2573delp.Ala859LeufsTer31 in AHDC1 gene has not been reported previously as a pathogenic variant nor as a benign variant, to our knowledge. The variant is novel not in any individuals in gnomAD Exomes and is novel not in any individuals in 1000 Genomes. This variant causes a frameshift starting with codon Alanine 859, changes this amino acid to Leucine residue, and creates a premature Stop codon at position 31 of the new reading frame, denoted p.Ala859LeufsTer31.This variant is predicted to cause loss of normal protein function through protein truncation. Loss of function variants have been previously reported to be disease causing Xia F, et al., 2014. For these reasons, this variant has been classified as Likely Pathogenic.

NM_001371928.1(AHDC1):c.2572_2573del (p.Ala859fs)

Gene: AHDC1 (AT-hook DNA binding motif containing 1; minus strand). Cytogenetic location: 1p36.11.
Variant type: Microsatellite.
Coding change: c.2572_2573del on transcript NM_001371928.1 (MANE Select); coding-DNA positions 2572 to 2573, 2 bases deleted (TC; older notation c.2572_2573delTC).
Protein change: p.Ala859fs; shifts the reading frame from alanine 859.
Molecular consequence: frameshift variant.
Genome position (GRCh38, 1-based): chr1:27,549,543-27,549,544, GA deleted on the plus strand (TC on the coding strand, the reverse complement: AHDC1 is on the minus strand); deleting any 2 consecutive bases within chr1:27,549,543-27,549,547 gives the same sequence; the c. name uses the placement nearest the transcript's 3' end. VCF-style (leftmost placement, unchanged base first): chr1-27549542-TGA-T. GRCh37 (hg19) VCF-style: chr1-27876053-TGA-T.
Other names: c.2572_2573del, p.Ala859fs (NM_001029882.3); short protein forms A859fs.
Identifiers: ClinVar variation 3235001 (VCV003235001.1), dbSNP rs2521929524, ClinGen allele CA2825000919.